The following is an entry in ClinVar:

NM_001099922.3(ALG13):c.422C>T (p.Ser141Phe)

Gene: ALG13 (ALG13 UDP-N-acetylglucosaminyltransferase subunit; plus strand). Cytogenetic location: Xq23.
Variant type: single nucleotide variant.
Coding change: c.422C>T on transcript NM_001099922.3 (MANE Select); coding-DNA position 422, C replaced by T.
Protein change: p.Ser141Phe; replaces serine 141 with phenylalanine.
Molecular consequence: missense variant. On other transcripts: non-coding transcript variant (1).
Genome position (GRCh38, 1-based): chrX:111,708,065, C>T. VCF-style: chrX-111708065-C-T. GRCh37 (hg19) VCF-style: chrX-110951293-C-T.
Other names: c.110C>T, p.Ser37Phe (NM_001257230.2, NM_001257234.2, NM_001257237.2 and 1 more transcripts); c.188C>T, p.Ser63Phe (NM_001257231.2); c.422C>T, p.Ser141Phe (NM_001324292.2); short protein forms S141F, S37F, S63F.
Identifiers: ClinVar variation 1025136 (VCV001025136.9), dbSNP rs1432301604, ClinGen allele CA414249276.
Genomic context (GRCh38, chrX:111,708,065, plus strand): 5'-GCTCTTCCTCTTCTTTTCACAGGGTCCTGACTTGTCCTGGGCAAGCCAAGTCCATTGCTT[C>T]TGCTCCTGGGAAGTGCCAAGATTCTGCAGCGCTGACTTCAACTGCCTTTTCAGGCCTAGA-3'
Protein context (NP_001093392.1, residues 131-151): TCPGQAKSIA[Ser141Phe]APGKCQDSAA

ClinVar aggregate classification (germline): Uncertain significance (1 of 4 stars; one submission).

Conditions:
Developmental and epileptic encephalopathy, 36 (DEE36). Also called: Congenital disorder of glycosylation, type Is; Epileptic encephalopathy, early infantile, 36; ALG13-CDG. Identifiers: Orphanet 324422, MedGen C4317295, MONDO:0010472, OMIM 300884.

Allele frequency attached by ClinVar (database versions not stated): TOPMed 0.00001.

Submission:

Labcorp Genetics (formerly Invitae), Labcorp
Classification: Uncertain significance for Developmental and epileptic encephalopathy, 36. Last evaluated: 2023-10-09. Review status: criteria provided, single submitter. Criteria: Invitae Variant Classification Sherloc (09022015). Collection method: clinical testing. Allele origin: germline.
Comment: This sequence change replaces serine, which is neutral and polar, with phenylalanine, which is neutral and non-polar, at codon 141 of the ALG13 protein (p.Ser141Phe). This variant is not present in population databases (gnomAD no frequency). This variant has not been reported in the literature in individuals affected with ALG13-related conditions. ClinVar contains an entry for this variant (Variation ID: 1025136). An algorithm developed to predict the effect of missense changes on protein structure and function (PolyPhen-2) suggests that this variant is likely to be tolerated. In summary, the available evidence is currently insufficient to determine the role of this variant in disease. Therefore, it has been classified as a Variant of Uncertain Significance.